The following is an entry in ClinVar:

NM_016604.4(KDM3B):c.574A>G (p.Ser192Gly)

Gene: KDM3B (lysine demethylase 3B; plus strand). Cytogenetic location: 5q31.2.
Variant type: single nucleotide variant.
Coding change: c.574A>G on transcript NM_016604.4 (MANE Select); coding-DNA position 574, A replaced by G.
Protein change: p.Ser192Gly; replaces serine 192 with glycine.
Molecular consequence: missense variant.
Genome position (GRCh38, 1-based): chr5:138,377,819, A>G. VCF-style: chr5-138377819-A-G. GRCh37 (hg19) VCF-style: chr5-137713508-A-G.
Other names: short protein forms S192G.
Identifiers: ClinVar variation 3863430 (VCV003863430.2).

ClinVar aggregate classification (germline): Uncertain significance. Review status: criteria provided, multiple submitters, no conflicts (2 of 4 stars). 2 submissions from 2 submitters: Uncertain significance (2). Last evaluated 2026-03-11.

Conditions:
Inborn genetic diseases. Identifiers: MedGen C0950123, MeSH D030342.

gnomAD v4.1: 1 of 1,609,946 alleles (0.000062%); highest among the groups gnomAD compares: Non-Finnish European, 0.000085%; no homozygotes.

Submissions (2):

GeneDx
Classification: Uncertain significance. Last evaluated: 2026-03-11. Review status: criteria provided, single submitter. Criteria: GeneDx Variant Classification Process June 2021. Collection method: clinical testing. Allele origin: germline.
Comment: Not observed at significant frequency in large population cohorts (gnomAD); In silico analysis suggests that this missense variant does not alter protein structure/function; Has not been previously published as pathogenic or benign to our knowledge

Ambry Genetics
Classification: Uncertain significance for Inborn genetic diseases. Last evaluated: 2025-02-13. Review status: criteria provided, single submitter. Criteria: Ambry Variant Classification Scheme 2023. Collection method: clinical testing. Allele origin: germline.